The following is an entry in ClinVar:

NM_001005242.3(PKP2):c.1231G>A (p.Val411Ile)

Gene: PKP2 (plakophilin 2; minus strand). Cytogenetic location: 12p11.21.
Variant type: single nucleotide variant.
Coding change: c.1231G>A on transcript NM_001005242.3 (MANE Select); coding-DNA position 1231, G replaced by A.
Protein change: p.Val411Ile; replaces valine 411 with isoleucine.
Molecular consequence: missense variant.
Genome position (GRCh38, 1-based): chr12:32,850,913, C>T on the plus strand (G>A on the coding strand, the complement: PKP2 is on the minus strand). VCF-style: chr12-32850913-C-T. GRCh37 (hg19) VCF-style: chr12-33003847-C-T.
Other names: c.1231G>A, p.Val411Ile (NM_004572.4); short protein forms V411I.
Identifiers: ClinVar variation 308511 (VCV000308511.20), dbSNP rs192041220, ClinGen allele CA027467.
Genomic context (GRCh38, chr12:32,850,913, plus strand): 5'-ATTTGTTGTCATTGTCTTCAAATACTAAGTTTCTCAAGGCCCCACACACAGCTCGCTGAA[C>T]GTCTTCATTCTGAACTTTTAGGAGCTGCAGAAGCTTGAGGATGCCACGAAGCTGGTTAAC-3'
Protein context (NP_001005242.2, residues 401-421): LQLLKVQNED[Val411Ile]QRAVCGALRN

ClinVar aggregate classification (germline): Conflicting classifications of pathogenicity. Review status: criteria provided, conflicting classifications (1 of 4 stars). 6 submissions from 6 submitters: Uncertain significance (3); Likely benign (3). Last evaluated 2026-01-13.

Conditions:
Cardiomyopathy (CMYO). Also called: Cardiomyopathies. Identifiers: Orphanet 167848, MedGen C0878544, MONDO:0004994, HP:0001638. Inheritance: Various modes of inheritance.
Arrhythmogenic right ventricular dysplasia 9 (ARVD9). Also called: Arrhythmogenic Right Ventricular Dysplasia/Cardiomyopathy 9; ARRHYTHMOGENIC RIGHT VENTRICULAR DYSPLASIA, FAMILIAL, 9. Identifiers: MedGen C1836906, MONDO:0012180, OMIM 609040.
Cardiovascular phenotype. Identifiers: MedGen CN230736.

Allele frequency attached by ClinVar (database versions not stated): gnomAD 0.00001 and 0.00007; TOPMed 0.00002; ExAC 0.00008; gnomAD exomes 0.00009; 1000 Genomes Project 0.00080; 1000 Genomes Project 30x 0.00094.
gnomAD v4.1: 81 of 1,614,130 alleles (0.005%); highest among the groups gnomAD compares: South Asian, 0.046%; 1 homozygote.

Submissions (6):

Labcorp Genetics (formerly Invitae), Labcorp
Classification: Uncertain significance for Arrhythmogenic right ventricular dysplasia 9. Last evaluated: 2026-01-13. Review status: criteria provided, single submitter. Criteria: Invitae Variant Classification Sherloc (09022015). Collection method: clinical testing. Allele origin: germline.
Comment: This sequence change replaces valine, which is neutral and non-polar, with isoleucine, which is neutral and non-polar, at codon 411 of the PKP2 protein (p.Val411Ile). This variant is present in population databases (rs192041220, gnomAD 0.02%). This variant has not been reported in the literature in individuals affected with PKP2-related conditions. ClinVar contains an entry for this variant (Variation ID: 308511). An algorithm developed to predict the effect of missense changes on protein structure and function outputs the following: PolyPhen-2: "Benign". The isoleucine amino acid residue is found in multiple mammalian species, which suggests that this missense change does not adversely affect protein function. In summary, the available evidence is currently insufficient to determine the role of this variant in disease. Therefore, it has been classified as a Variant of Uncertain Significance.

Color Diagnostics, LLC DBA Color Health
Classification: Likely benign for Cardiomyopathy. Last evaluated: 2024-09-04. Review status: criteria provided, single submitter. Criteria: ACMG Guidelines, 2015. Collection method: clinical testing. Allele origin: germline.

Ambry Genetics
Classification: Likely benign for Cardiovascular phenotype. Last evaluated: 2023-12-13. Review status: criteria provided, single submitter. Criteria: Ambry Variant Classification Scheme 2023. Collection method: clinical testing. Allele origin: germline.

Women's Health and Genetics/Laboratory Corporation of America, LabCorp
Classification: Uncertain significance. Last evaluated: 2023-05-18. Review status: criteria provided, single submitter. Criteria: LabCorp Variant Classification Summary - May 2015. Collection method: clinical testing. Allele origin: germline.
Comment: Variant summary: PKP2 c.1231G>A (p.Val411Ile) results in a conservative amino acid change in the encoded protein sequence. Five of five in-silico tools predict a benign effect of the variant on protein function. The variant allele was found at a frequency of 9.5e-05 in 252204 control chromosomes in the gnomAD database, including 1 homozygotes. This frequency is not significantly higher than estimated for a pathogenic variant in PKP2 causing Arrhythmogenic Right Ventricular Dysplasia/Cardiomyopathy (9.5e-05 vs 0.00065), allowing no conclusion about variant significance. To our knowledge, no experimental evidence demonstrating an impact on protein function has been reported. Five clinical diagnostic laboratories have submitted clinical-significance assessments for this variant to ClinVar after 2014 without evidence for independent evaluation. Multiple laboratories reported the variant with conflicting assessments (likely benign n=2, VUS n=3). Based on the evidence outlined above, the variant was classified as uncertain significance.

GeneDx
Classification: Likely benign. Last evaluated: 2021-06-26. Review status: criteria provided, single submitter. Criteria: GeneDx Variant Classification Process June 2021. Collection method: clinical testing. Allele origin: germline. Affected: yes.

Illumina Laboratory Services, Illumina
Classification: Uncertain significance for Arrhythmogenic right ventricular dysplasia 9. Last evaluated: 2018-01-12. Review status: criteria provided, single submitter. Criteria: ICSL Variant Classification Criteria 13 December 2019. Collection method: clinical testing. Allele origin: germline.

Literature cited by the submitters: PubMed 21636032 (cited by Women's Health and Genetics/Laboratory Corporation of America, LabCorp).